The following is an entry in ClinVar:

ClinVar aggregate classification (germline): Uncertain significance. Review status: criteria provided, multiple submitters, no conflicts (2 of 4 stars). 3 submissions from 3 submitters: Uncertain significance (3). Last evaluated 2024-09-08.

Conditions:
Osteogenesis imperfecta (OI). Identifiers: Orphanet 666, MedGen C0029434, MeSH D010013, MONDO:0019019.

Allele frequency attached by ClinVar (database versions not stated): gnomAD exomes below 0.00001.
gnomAD v4.1: 6 of 1,542,876 alleles (0.00039%); highest among the groups gnomAD compares: Non-Finnish European, 0.00044%; no homozygotes.

Submissions (3):

Molecular Genetics, Royal Melbourne Hospital
Classification: Uncertain significance for Osteogenesis imperfecta. Last evaluated: 2024-09-08. Review status: criteria provided, single submitter. Criteria: ACMG Guidelines, 2015. Collection method: clinical testing. Allele origin: germline. Inheritance: Autosomal recessive inheritance. Affected: yes.
Comment: This sequence change is a synonymous (silent) variant altering the last base of exon 3 of WNT1. The results from an in silico splicing predictor (SpliceAI) indicate that this variant may impact splicing by disrupting the donor splice site of intron 3. RNA assays have not been conducted to confirm this prediction. The highest population minor allele frequency in the population database gnomAD v4.1 is 0.0004% (5/1,145,930 alleles) in the European (non-Finnish) population, consistent with recessive disease. To our knowledge, this variant has not been previously reported in the relevant scientific literature or databases. Based on the classification scheme RMH Modified ACMG/AMP Guidelines v1.7.0, this variant is classified as a VARIANT OF UNCERTAIN SIGNIFICANCE. Following criteria are met: PM2_Supporting, PP3.

Labcorp Genetics (formerly Invitae), Labcorp
Classification: Uncertain significance. Last evaluated: 2023-09-17. Review status: criteria provided, single submitter. Criteria: Invitae Variant Classification Sherloc (09022015). Collection method: clinical testing. Allele origin: germline.
Comment: ClinVar contains an entry for this variant (Variation ID: 453139). This sequence change affects codon 208 of the WNT1 mRNA. It is a 'silent' change, meaning that it does not change the encoded amino acid sequence of the WNT1 protein. This variant also falls at the last nucleotide of exon 3, which is part of the consensus splice site for this exon. This variant is not present in population databases (gnomAD no frequency). This variant has not been reported in the literature in individuals affected with WNT1-related conditions. Variants that disrupt the consensus splice site are a relatively common cause of aberrant splicing (PMID: 17576681, 9536098). Algorithms developed to predict the effect of sequence changes on RNA splicing suggest that this variant may disrupt the consensus splice site. In summary, the available evidence is currently insufficient to determine the role of this variant in disease. Therefore, it has been classified as a Variant of Uncertain Significance.

GeneDx
Classification: Uncertain significance. Last evaluated: 2017-11-01. Review status: criteria provided, single submitter. Criteria: GeneDx Variant Classification (06012015). Collection method: clinical testing. Allele origin: germline. Affected: yes.
Comment: The c.624 G>A variant in the WNT1 gene has not been reported previously as a pathogenic variant, nor as a benign variant, to our knowledge. This substitution occurs at a nucleotide position that is conserved across species. Although the c.624 G>A (T208=) variant results in a synonymous amino acid substitution, multiple in-silico splice prediction models predict that c.624 G>A may damage the natural splice donor site in intron 3, which may lead to abnormal gene splicing. However, in the absence of RNA/functional studies, the actual effect of this sequence change in this individual is unknown. The c.624 G>A variant is not observed in large population cohorts (Lek et al., 2016). We interpret c.624 G>A as a variant of uncertain significance.

Literature cited by the submitters: PubMed 17576681 (cited by Labcorp Genetics (formerly Invitae), Labcorp); PubMed 9536098 (cited by Labcorp Genetics (formerly Invitae), Labcorp).

NM_005430.4(WNT1):c.624G>A (p.Thr208=)

Gene: WNT1 (Wnt family member 1; plus strand). Cytogenetic location: 12q13.12.
Variant type: single nucleotide variant.
Coding change: c.624G>A on transcript NM_005430.4 (MANE Select); coding-DNA position 624, G replaced by A.
Protein change: p.Thr208=; no amino-acid change (threonine 208 retained).
Molecular consequence: synonymous variant.
Genome position (GRCh38, 1-based): chr12:48,980,689, G>A. VCF-style: chr12-48980689-G-A. GRCh37 (hg19) VCF-style: chr12-49374472-G-A.
Identifiers: ClinVar variation 453139 (VCV000453139.6), dbSNP rs1288891943, ClinGen allele CA479704639.